The following is an entry in ClinVar:

NM_001048174.2(MUTYH):c.1476A>C (p.Lys492Asn)

Gene: MUTYH (mutY DNA glycosylase; minus strand). Cytogenetic location: 1p34.1.
Variant type: single nucleotide variant.
Coding change: c.1476A>C on transcript NM_001048174.2 (MANE Select); coding-DNA position 1476, A replaced by C.
Protein change: p.Lys492Asn; replaces lysine 492 with asparagine.
Molecular consequence: missense variant. On other transcripts: non-coding transcript variant (7).
Genome position (GRCh38, 1-based): chr1:45,329,396, T>G on the plus strand (A>C on the coding strand, the complement: MUTYH is on the minus strand). VCF-style: chr1-45329396-T-G. GRCh37 (hg19) VCF-style: chr1-45795068-T-G.
Other names: c.1476A>C, p.Lys492Asn (NM_001048171.2, NM_001048173.2, NM_001293195.2 and 6 more transcripts); c.1479A>C, p.Lys493Asn (NM_001048172.2, NM_001407071.1, NM_001407086.1 and 1 more transcripts); c.1560A>C, p.Lys520Asn (NM_001128425.2); c.1521A>C, p.Lys507Asn (NM_001293190.2); c.1509A>C, p.Lys503Asn (NM_001293191.2, NM_001407069.1, NM_001407077.1); c.1200A>C, p.Lys400Asn (NM_001293192.2, NM_001293196.2, NM_001407091.1); c.1131A>C, p.Lys377Asn (NM_001350650.2, NM_001350651.2, NM_001407082.1); c.1518A>C, p.Lys506Asn (NM_001407085.1, NM_001407083.1); and 5 more; short protein forms K479N, K503N, K464N, K478N, K492N, K493N, K506N, K507N.
Identifiers: ClinVar variation 4113364 (VCV004113364.1).

ClinVar aggregate classification (germline): Uncertain significance (1 of 4 stars; one submission).

Conditions:
Hereditary cancer-predisposing syndrome. Also called: Tumor predisposition; Neoplastic Syndromes, Hereditary; Hereditary neoplastic syndrome; Hereditary Cancer Syndrome. Identifiers: Orphanet 140162, MedGen C0027672, MeSH D009386, MONDO:0015356.

Submission:

Ambry Genetics
Classification: Uncertain significance for Hereditary cancer-predisposing syndrome. Last evaluated: 2025-08-27. Review status: criteria provided, single submitter. Criteria: Ambry Variant Classification Scheme 2023. Collection method: clinical testing. Allele origin: germline.
Comment: The p.K520N variant (also known as c.1560A>C), located in coding exon 16 of the MUTYH gene, results from an A to C substitution at nucleotide position 1560. The lysine at codon 520 is replaced by asparagine, an amino acid with similar properties. This amino acid position is conserved. In addition, this alteration is predicted to be tolerated by in silico analysis. Based on the available evidence, the clinical significance of this variant remains unclear.